The following is an entry in ClinVar:

ClinVar aggregate classification (germline): Uncertain significance (1 of 4 stars; one submission).

Conditions:
Hereditary spastic paraplegia 2 (SPG2). Also called: SPASTIC PARAPLEGIA 2, X-LINKED; Spastic Paraplegia 2 (SPG2). Identifiers: Orphanet 99015, MedGen C0751604, MONDO:0010733, OMIM 312920.

Submission:

Labcorp Genetics (formerly Invitae), Labcorp
Classification: Uncertain significance for Hereditary spastic paraplegia 2. Last evaluated: 2016-11-26. Review status: criteria provided, single submitter. Criteria: Invitae Variant Classification Sherloc (09022015). Collection method: clinical testing. Allele origin: germline.
Comment: This sequence change replaces glutamine with leucine at codon 234 of the PLP1 protein (p.Gln234Leu). The glutamine residue is highly conserved and there is a moderate physicochemical difference between glutamine and leucine. This variant is not present in population databases (ExAC no frequency) and has not been reported in the literature in individuals with a PLP1-related disease. Algorithms developed to predict the effect of missense changes on protein structure and function do not agree on the potential impact of this missense change (SIFT: "Tolerated"; PolyPhen-2: "Possibly Damaging"; Align-GVGD: "Class C0"). A different missense substitution at this codon (p.Gln234Pro, also known as p.Gln233Pro) has been reported in an individual affected with Pelizaeus-Merzbacher disease (PMID: 10417279). The clinical significance of this variant is not known. In summary, this variant is a novel missense change with uncertain impact on protein function. It has been classified as a Variant of Uncertain Significance.

NM_000533.5(PLP1):c.701A>T (p.Gln234Leu)

Genes: PLP1 (proteolipid protein 1; plus strand), RAB9B (RAB9B, member RAS oncogene family; minus strand). Cytogenetic location: Xq22.2.
Variant type: single nucleotide variant.
Coding change: c.701A>T on transcript NM_000533.5 (MANE Select); coding-DNA position 701, A replaced by T.
Protein change: p.Gln234Leu; replaces glutamine 234 with leucine.
Molecular consequence: missense variant.
Genome position (GRCh38, 1-based): chrX:103,789,337, A>T. VCF-style: chrX-103789337-A-T. GRCh37 (hg19) VCF-style: chrX-103044266-A-T.
Other names: c.701A>T, p.Gln234Leu (NM_001128834.3); c.536A>T, p.Gln179Leu (NM_001305004.1); c.596A>T, p.Gln199Leu (NM_199478.3); short protein forms Q234L, Q179L, Q199L.
Identifiers: ClinVar variation 405940 (VCV000405940.1), dbSNP rs1060500908, ClinGen allele CA16616628.